The following is an entry in ClinVar:

ClinVar aggregate classification (germline): Uncertain significance. Review status: criteria provided, multiple submitters, no conflicts (2 of 4 stars). 2 submissions from 2 submitters: Uncertain significance (2). Last evaluated 2024-09-09.

Conditions:
Hereditary cancer-predisposing syndrome. Also called: Hereditary neoplastic syndrome; Neoplastic Syndromes, Hereditary; Tumor predisposition; Hereditary Cancer Syndrome. Identifiers: Orphanet 140162, MedGen C0027672, MeSH D009386, MONDO:0015356.

Submissions (2):

Ambry Genetics
Classification: Uncertain significance for Hereditary cancer-predisposing syndrome. Last evaluated: 2024-09-09. Review status: criteria provided, single submitter. Criteria: Ambry Variant Classification Scheme 2023. Collection method: clinical testing. Allele origin: germline.
Comment: The p.S699N variant (also known as c.2096G>A), located in coding exon 13 of the RAD50 gene, results from a G to A substitution at nucleotide position 2096. The serine at codon 699 is replaced by asparagine, an amino acid with highly similar properties. This amino acid position is conserved. In addition, this alteration is predicted to be tolerated by in silico analysis. Based on the available evidence, the clinical significance of this variant remains unclear.

Labcorp Genetics (formerly Invitae), Labcorp
Classification: Uncertain significance for Hereditary cancer-predisposing syndrome. Last evaluated: 2021-02-14. Review status: criteria provided, single submitter. Criteria: Invitae Variant Classification Sherloc (09022015). Collection method: clinical testing. Allele origin: germline.
Comment: In summary, the available evidence is currently insufficient to determine the role of this variant in disease. Therefore, it has been classified as a Variant of Uncertain Significance. Algorithms developed to predict the effect of missense changes on protein structure and function output the following: SIFT: "Tolerated"; PolyPhen-2: "Benign"; Align-GVGD: "Class C0". The asparagine amino acid residue is found in multiple mammalian species, suggesting that this missense change does not adversely affect protein function. These predictions have not been confirmed by published functional studies and their clinical significance is uncertain. This variant has not been reported in the literature in individuals with RAD50-related conditions. This variant is not present in population databases (ExAC no frequency). This sequence change replaces serine with asparagine at codon 699 of the RAD50 protein (p.Ser699Asn). The serine residue is moderately conserved and there is a small physicochemical difference between serine and asparagine.

NM_005732.4(RAD50):c.2096G>A (p.Ser699Asn)

Gene: RAD50 (RAD50 double strand break repair protein; plus strand). Cytogenetic location: 5q31.1.
Variant type: single nucleotide variant.
Coding change: c.2096G>A on transcript NM_005732.4 (MANE Select); coding-DNA position 2096, G replaced by A.
Protein change: p.Ser699Asn; replaces serine 699 with asparagine.
Molecular consequence: missense variant.
Genome position (GRCh38, 1-based): chr5:132,595,699, G>A. VCF-style: chr5-132595699-G-A. GRCh37 (hg19) VCF-style: chr5-131931391-G-A.
Other names: c.2096G>A (NM_005732.3); short protein forms S699N.
Identifiers: ClinVar variation 1509935 (VCV001509935.9), dbSNP rs2149844142, ClinGen allele CA360950035.